The following is an entry in ClinVar:

ClinVar aggregate classification (germline): Uncertain significance (1 of 4 stars; one submission).

Submission:

Labcorp Genetics (formerly Invitae), Labcorp
Classification: Uncertain significance. Last evaluated: 2023-04-11. Review status: criteria provided, single submitter. Criteria: Invitae Variant Classification Sherloc (09022015). Collection method: clinical testing. Allele origin: germline.
Comment: This sequence change creates a premature translational stop signal (p.Ser610*) in the TNNI3K gene. It is expected to result in an absent or disrupted protein product. However, the current clinical and genetic evidence is not sufficient to establish whether loss-of-function variants in TNNI3K cause disease. This variant is not present in population databases (gnomAD no frequency). This variant has not been reported in the literature in individuals affected with TNNI3K-related conditions. Algorithms developed to predict the effect of sequence changes on RNA splicing suggest that this variant may disrupt the consensus splice site. In summary, the available evidence is currently insufficient to determine the role of this variant in disease. Therefore, it has been classified as a Variant of Uncertain Significance.

NM_015978.3(TNNI3K):c.1829C>A (p.Ser610Ter)

Genes: FPGT-TNNI3K (FPGT-TNNI3K readthrough; plus strand), TNNI3K (TNNI3 interacting kinase; plus strand). Cytogenetic location: 1p31.1.
Variant type: single nucleotide variant.
Coding change: c.1829C>A on transcript NM_015978.3 (MANE Select); coding-DNA position 1829, C replaced by A.
Protein change: p.Ser610Ter; replaces serine 610 with a stop codon.
Molecular consequence: nonsense.
Genome position (GRCh38, 1-based): chr1:74,436,477, C>A. VCF-style: chr1-74436477-C-A. GRCh37 (hg19) VCF-style: chr1-74902161-C-A.
Other names: c.2132C>A, p.Ser711Ter (NM_001112808.3, NM_001199327.2); short protein forms S610*, S711*.
Identifiers: ClinVar variation 2855011 (VCV002855011.3), dbSNP rs2524722506, ClinGen allele CA340788889.